The following is an entry in ClinVar:

ClinVar aggregate classification (germline): Conflicting classifications of pathogenicity. Review status: criteria provided, conflicting classifications (1 of 4 stars). 3 submissions from 3 submitters: Uncertain significance (1); Likely benign (2). Last evaluated 2025-10-26.

Conditions:
Hereditary cancer-predisposing syndrome. Also called: Tumor predisposition; Hereditary Cancer Syndrome; Hereditary neoplastic syndrome; Neoplastic Syndromes, Hereditary. Identifiers: Orphanet 140162, MedGen C0027672, MeSH D009386, MONDO:0015356.
POLD1-related polyposis and colorectal cancer syndrome (CRCS10). Also called: Colorectal cancer 10; COLORECTAL CANCER, SUSCEPTIBILITY TO, ON CHROMOSOME 19q; Colorectal cancer, susceptibility to, 10. Identifiers: Orphanet 220460, MedGen C2675481, MONDO:0012953, OMIM 612591.

Allele frequency attached by ClinVar (database versions not stated): TOPMed below 0.00001.

Submissions (3):

Labcorp Genetics (formerly Invitae), Labcorp
Classification: Likely benign for POLD1-related polyposis and colorectal cancer syndrome. Last evaluated: 2025-10-26. Review status: criteria provided, single submitter. Criteria: Invitae Variant Classification Sherloc (09022015). Collection method: clinical testing. Allele origin: germline.

GeneDx
Classification: Uncertain significance. Last evaluated: 2024-10-22. Review status: criteria provided, single submitter. Criteria: GeneDx Variant Classification Process June 2021. Collection method: clinical testing. Allele origin: germline. Affected: yes.
Comment: Not observed at significant frequency in large population cohorts (gnomAD); In silico analysis supports a deleterious effect on splicing; Has not been previously published as pathogenic or benign to our knowledge

Ambry Genetics
Classification: Likely benign for Hereditary cancer-predisposing syndrome. Last evaluated: 2016-06-17. Review status: criteria provided, single submitter. Criteria: Ambry Variant Classification Scheme 2023. Collection method: clinical testing. Allele origin: germline.

NM_002691.4(POLD1):c.2124G>A (p.Val708=)

Gene: POLD1 (DNA polymerase delta 1, catalytic subunit; plus strand). Cytogenetic location: 19q13.33.
Variant type: single nucleotide variant.
Coding change: c.2124G>A on transcript NM_002691.4 (MANE Select); coding-DNA position 2124, G replaced by A.
Protein change: p.Val708=; no amino-acid change (valine 708 retained).
Molecular consequence: synonymous variant. On other transcripts: non-coding transcript variant (1).
Genome position (GRCh38, 1-based): chr19:50,409,636, G>A. VCF-style: chr19-50409636-G-A. GRCh37 (hg19) VCF-style: chr19-50912893-G-A.
Other names: c.2124G>A, p.Val708= (NM_001256849.1); c.2202G>A, p.Val734= (NM_001308632.1).
Identifiers: ClinVar variation 484388 (VCV000484388.18), dbSNP rs1555792020, ClinGen allele CA508185915.